The following is an entry in ClinVar:

ClinVar aggregate classification (germline): Likely pathogenic (1 of 4 stars; one submission).

Submission:

Labcorp Genetics (formerly Invitae), Labcorp
Classification: Likely pathogenic. Last evaluated: 2023-02-22. Review status: criteria provided, single submitter. Criteria: Invitae Variant Classification Sherloc (09022015). Collection method: clinical testing. Allele origin: germline.
Comment: This variant disrupts the p.Phe553 amino acid residue in ABCA4. Other variant(s) that disrupt this residue have been determined to be pathogenic (PMID: 12442277). This suggests that this residue is clinically significant, and that variants that disrupt this residue are likely to be disease-causing. In summary, the currently available evidence indicates that the variant is pathogenic, but additional data are needed to prove that conclusively. Therefore, this variant has been classified as Likely Pathogenic. Advanced modeling of protein sequence and biophysical properties (such as structural, functional, and spatial information, amino acid conservation, physicochemical variation, residue mobility, and thermodynamic stability) performed at Invitae indicates that this missense variant is expected to disrupt ABCA4 protein function. This variant has not been reported in the literature in individuals affected with ABCA4-related conditions. This variant is not present in population databases (gnomAD no frequency). This sequence change replaces phenylalanine, which is neutral and non-polar, with valine, which is neutral and non-polar, at codon 553 of the ABCA4 protein (p.Phe553Val).

Literature cited by the submitters: PubMed 12442277.

NM_000350.3(ABCA4):c.1657T>G (p.Phe553Val)

Gene: ABCA4 (ATP binding cassette subfamily A member 4; minus strand). Cytogenetic location: 1p22.1.
Variant type: single nucleotide variant.
Coding change: c.1657T>G on transcript NM_000350.3 (MANE Select); coding-DNA position 1657, T replaced by G.
Protein change: p.Phe553Val; replaces phenylalanine 553 with valine.
Molecular consequence: missense variant.
Genome position (GRCh38, 1-based): chr1:94,063,215, A>C on the plus strand (T>G on the coding strand, the complement: ABCA4 is on the minus strand). VCF-style: chr1-94063215-A-C. GRCh37 (hg19) VCF-style: chr1-94528771-A-C.
Other names: c.1657T>G, p.Phe553Val (NM_001425324.1); short protein forms F553V.
Identifiers: ClinVar variation 2839918 (VCV002839918.3), dbSNP rs2523843902, ClinGen allele CA341280307.